The following is an entry in ClinVar:

ClinVar aggregate classification (germline): Uncertain significance (1 of 4 stars; one submission).

Conditions:
Hereditary sensory and autonomic neuropathy with spastic paraplegia (HSNSP). Identifiers: Orphanet 139578, MedGen C1850395, MONDO:0009748, OMIM 256840.

gnomAD v4.1: 8 of 1,614,002 alleles (0.0005%); highest among the groups gnomAD compares: Admixed American, 0.0017%; no homozygotes.

Submission:

Labcorp Genetics (formerly Invitae), Labcorp
Classification: Uncertain significance for Hereditary sensory and autonomic neuropathy with spastic paraplegia. Last evaluated: 2024-09-10. Review status: criteria provided, single submitter. Criteria: Invitae Variant Classification Sherloc (09022015). Collection method: clinical testing. Allele origin: germline.
Comment: This sequence change replaces serine, which is neutral and polar, with proline, which is neutral and non-polar, at codon 518 of the CCT5 protein (p.Ser518Pro). This variant is present in population databases (no rsID available, gnomAD 0.003%). This variant has not been reported in the literature in individuals affected with CCT5-related conditions. Invitae Evidence Modeling of protein sequence and biophysical properties (such as structural, functional, and spatial information, amino acid conservation, physicochemical variation, residue mobility, and thermodynamic stability) has been performed for this missense variant. However, the output from this modeling did not meet the statistical confidence thresholds required to predict the impact of this variant on CCT5 protein function. In summary, the available evidence is currently insufficient to determine the role of this variant in disease. Therefore, it has been classified as a Variant of Uncertain Significance.

NM_012073.5(CCT5):c.1552T>C (p.Ser518Pro)

Gene: CCT5 (chaperonin containing TCP1 subunit 5; plus strand). Cytogenetic location: 5p15.2.
Variant type: single nucleotide variant.
Coding change: c.1552T>C on transcript NM_012073.5 (MANE Select); coding-DNA position 1552, T replaced by C.
Protein change: p.Ser518Pro; replaces serine 518 with proline.
Molecular consequence: missense variant.
Genome position (GRCh38, 1-based): chr5:10,264,709, T>C. VCF-style: chr5-10264709-T-C. GRCh37 (hg19) VCF-style: chr5-10264821-T-C.
Other names: c.1489T>C, p.Ser497Pro (NM_001306153.1); c.1387T>C, p.Ser463Pro (NM_001306154.2); c.1273T>C, p.Ser425Pro (NM_001306155.2); c.1438T>C, p.Ser480Pro (NM_001306156.2); short protein forms S463P, S480P, S518P, S497P, S425P.
Identifiers: ClinVar variation 3714303 (VCV003714303.2).